The following is an entry in ClinVar:

ClinVar aggregate classification (germline): Uncertain significance (0 of 4 stars; one submission).

Conditions:
DZIP1L-related disorder. Also called: DZIP1L-related condition.

Submission:

PreventionGenetics, part of Exact Sciences
Classification: Uncertain significance for DZIP1L-related condition. Last evaluated: 2024-04-08. Review status: no assertion criteria provided. Collection method: clinical testing. Allele origin: germline.
Comment: The DZIP1L c.1721G>A variant is predicted to result in the amino acid substitution p.Arg574His. To our knowledge, this variant has not been reported in the literature. This variant is reported in 0.012% of alleles in individuals of Latino descent in gnomAD. At this time, the clinical significance of this variant is uncertain due to the absence of conclusive functional and genetic evidence.

NM_173543.3(DZIP1L):c.1721G>A (p.Arg574His)

Gene: DZIP1L (DAZ interacting zinc finger protein 1 like; minus strand). Cytogenetic location: 3q22.3.
Variant type: single nucleotide variant.
Coding change: c.1721G>A on transcript NM_173543.3 (MANE Select); coding-DNA position 1721, G replaced by A.
Protein change: p.Arg574His; replaces arginine 574 with histidine.
Molecular consequence: missense variant.
Genome position (GRCh38, 1-based): chr3:138,068,262, C>T on the plus strand (G>A on the coding strand, the complement: DZIP1L is on the minus strand). VCF-style: chr3-138068262-C-T. GRCh37 (hg19) VCF-style: chr3-137787104-C-T.
Other names: short protein forms R574H.
Identifiers: ClinVar variation 3352107 (VCV003352107.1).
Genomic context (GRCh38, chr3:138,068,262, plus strand): 5'-GGGCGTGGAGCGGGGGCGGACACCTGGGTCAGGCTGGAGCCATGGCTGCCATGGCTCTGA[C>T]GAGTTGGTGGGGGTGGCTCTGCCGGTGTGGATGGCAAGGCCACCTGCAGGGTCCTGGTCT-3'
Protein context (NP_775814.2, residues 564-584): STPAEPPPPT[Arg574His]QSHGSHGSSL